The following is an entry in ClinVar:

NM_005908.4(MANBA):c.531T>C (p.His177=)

Gene: MANBA (mannosidase beta; minus strand). Cytogenetic location: 4q24.
Variant type: single nucleotide variant.
Coding change: c.531T>C on transcript NM_005908.4 (MANE Select); coding-DNA position 531, T replaced by C.
Protein change: p.His177=; no amino-acid change (histidine 177 retained).
Molecular consequence: synonymous variant.
Genome position (GRCh38, 1-based): chr4:102,722,889, A>G on the plus strand (T>C on the coding strand, the complement: MANBA is on the minus strand). VCF-style: chr4-102722889-A-G. GRCh37 (hg19) VCF-style: chr4-103644046-A-G.
Identifiers: ClinVar variation 347097 (VCV000347097.42), dbSNP rs149902075, ClinGen allele CA3027199.
Genomic context (GRCh38, chr4:102,722,889, plus strand): 5'-CGTCCTCAAAAATAAAACCCGACCTGTTTGAGAGACCATTACCTTCCGAACAAAGTTGAC[A>G]TGGCATTCACCCTTCTGCACAAGTGGAGGGCAGTCTGGGGGAACCTGGTAGCGAGTGTGA-3'
Protein context (NP_005899.3, residues 167-187): CPPLVQKGEC[His177=]VNFVRKEQCS

ClinVar aggregate classification (germline): Conflicting classifications of pathogenicity. Review status: criteria provided, conflicting classifications (1 of 4 stars). 4 submissions from 4 submitters: Uncertain significance (1); Likely benign (3). Last evaluated 2026-01-20.

Conditions:
Beta-D-mannosidosis (MANSB). Also called: LYSOSOMAL BETA-MANNOSIDASE DEFICIENCY; MANNOSIDOSIS, BETA A, LYSOSOMAL; BETA-MANNOSIDASE DEFICIENCY; Beta-Mannosidosis. Identifiers: Orphanet 118, MedGen C4048196, MONDO:0009562, OMIM 248510.

Allele frequency attached by ClinVar (database versions not stated): gnomAD exomes 0.00051 and 0.00089; ExAC 0.00055; TOPMed 0.00055; gnomAD 0.00059 and 0.00060; ESP Exome Variant Server 0.00062; 1000 Genomes Project 30x 0.00078; 1000 Genomes Project 0.00080.
gnomAD v4.1: 1,400 of 1,614,176 alleles (0.087%); highest among the groups gnomAD compares: Non-Finnish European, 0.11%; 1 homozygote.

Submissions (4):

Labcorp Genetics (formerly Invitae), Labcorp
Classification: Likely benign for Beta-D-mannosidosis. Last evaluated: 2026-01-20. Review status: criteria provided, single submitter. Criteria: Invitae Variant Classification Sherloc (09022015). Collection method: clinical testing. Allele origin: germline.

Blueprint Genetics
Classification: Likely benign. Last evaluated: 2024-10-22. Review status: criteria provided, single submitter. Criteria: ACMG Guidelines, 2015. Collection method: clinical testing. Allele origin: germline.

CeGaT Center for Human Genetics Tuebingen
Classification: Likely benign. Last evaluated: 2024-10-01. Review status: criteria provided, single submitter. Criteria: CeGaT Center For Human Genetics Tuebingen Variant Classification Criteria Version 2. Collection method: clinical testing. Allele origin: germline. Affected: yes. Observed: 3 variant alleles.
Comment: MANBA: BP4, BP7

Illumina Laboratory Services, Illumina
Classification: Uncertain significance for Beta-D-mannosidosis. Last evaluated: 2018-01-12. Review status: criteria provided, single submitter. Criteria: ICSL Variant Classification Criteria 13 December 2019. Collection method: clinical testing. Allele origin: germline.